The following is an entry in ClinVar:

NM_000815.5(GABRD):c.457del (p.Leu153fs)

Gene: GABRD (gamma-aminobutyric acid type A receptor subunit delta; plus strand). Cytogenetic location: 1p36.33.
Variant type: Deletion.
Coding change: c.457del on transcript NM_000815.5 (MANE Select); coding-DNA position 457, one base deleted (C; older notation c.457delC).
Protein change: p.Leu153fs; shifts the reading frame from leucine 153.
Molecular consequence: frameshift variant.
Genome position (GRCh38, 1-based): chr1:2,025,725, C deleted; the last of 2 consecutive C bases (chr1:2,025,724-2,025,725); deleting either gives the same sequence. VCF-style (leftmost placement, unchanged base first): chr1-2025723-TC-T. GRCh37 (hg19) VCF-style: chr1-1957162-TC-T.
Other names: short protein forms L153fs.
Identifiers: ClinVar variation 3376977 (VCV003376977.1).

ClinVar aggregate classification (germline): Uncertain significance (1 of 4 stars; one submission).

Conditions:
Epilepsy, idiopathic generalized, susceptibility to, 10. Identifiers: MedGen C2751603, MONDO:0013103, OMIM 613060.

Submission:

Victorian Clinical Genetics Services, Murdoch Childrens Research Institute
Classification: Uncertain significance for Epilepsy, idiopathic generalized, susceptibility to, 10. Last evaluated: 2024-10-09. Review status: criteria provided, single submitter. Criteria: ACMG Guidelines, 2015. Collection method: clinical testing. Allele origin: germline. Inheritance: Autosomal dominant inheritance. Affected: yes.
Comment: Based on the classification scheme VCGS_Germline_v1.3.4, this variant is classified as VUS-3C. Following criteria are met: 0101 - Gain of function is a known mechanism of disease in this gene and is associated with epilepsy, idiopathic generalized, 10 (MIM#613060). Functional studies have shown several missense variants cause an increase in current amplitudes and affect channel gating, leading to increased GABAergic tone in the brain (PMID: 34633442). Functional studies have also shown that one missense variant observed in an individual with autism but normal intelligence and no seizures causes a loss of function effect (PMID: 34633442). (I) 0107 - This gene is associated with autosomal dominant disease. (I) 0201 - Variant is predicted to cause nonsense-mediated decay (NMD) and loss of protein (premature termination codon is located at least 54 nucleotides upstream of the final exon-exon junction). (SP) 0251 - This variant is heterozygous. (I) 0301 - Variant is absent from gnomAD (both v2 and v3). (SP) 0710 - Other NMD predicted variants comparable to the one identified in this case have inconclusive previous evidence for pathogenicity. Two NMD-predicted variants have been classified as VUS by a clinical laboratory in ClinVar. (SP) 0807 - This variant has no previous evidence of pathogenicity. (I) 0905 - No published segregation evidence has been identified for this variant. (I) 1007 - No published functional evidence has been identified for this variant. (I) Legend: (SP) - Supporting pathogenic, (I) - Information, (SB) - Supporting benign

Literature cited by the submitters: PubMed 34633442.